The following is an entry in ClinVar:

NM_001170629.2(CHD8):c.4665T>G (p.Tyr1555Ter)

Gene: CHD8 (chromodomain helicase DNA binding protein 8; minus strand). Cytogenetic location: 14q11.2.
Variant type: single nucleotide variant.
Coding change: c.4665T>G on transcript NM_001170629.2 (MANE Select); coding-DNA position 4665, T replaced by G.
Protein change: p.Tyr1555Ter; replaces tyrosine 1555 with a stop codon.
Molecular consequence: nonsense.
Genome position (GRCh38, 1-based): chr14:21,400,213, A>C on the plus strand (T>G on the coding strand, the complement: CHD8 is on the minus strand). VCF-style: chr14-21400213-A-C. GRCh37 (hg19) VCF-style: chr14-21868372-A-C.
Other names: c.3828T>G, p.Tyr1276Ter (NM_020920.4); short protein forms Y1276*, Y1555*.
Identifiers: ClinVar variation 5016829 (VCV005016829.1).

ClinVar aggregate classification (germline): Pathogenic (1 of 4 stars; one submission).

Submission:

GeneDx
Classification: Pathogenic. Last evaluated: 2026-03-26. Review status: criteria provided, single submitter. Criteria: GeneDx Variant Classification Process June 2021. Collection method: clinical testing. Allele origin: germline.
Comment: Reported previously as a de novo variant in a proband from a large cohort of individuals with neurodevelopmental phenotypes in published literature; however, additional clinical information was not provided (PMID: 35982159); Not observed at significant frequency in large population cohorts (gnomAD); Nonsense variant predicted to result in protein truncation or nonsense mediated decay in a gene for which loss of function is a known mechanism of disease; This variant is associated with the following publications: (PMID: 35982159)